The following is an entry in ClinVar:

ClinVar aggregate classification (germline): Uncertain significance (1 of 4 stars; one submission).

Allele frequency attached by ClinVar (database versions not stated): gnomAD exomes below 0.00001.
gnomAD v4.1: 2 of 1,614,064 alleles (0.00012%); highest among the groups gnomAD compares: East Asian, 0.0022%; no homozygotes.

Submission:

Ambry Genetics
Classification: Uncertain significance. Last evaluated: 2022-07-08. Review status: criteria provided, single submitter. Criteria: Ambry Variant Classification Scheme 2023. Collection method: clinical testing. Allele origin: germline.
Comment: The p.K90N variant (also known as c.270G>C), located in coding exon 3 of the NQO1 gene, results from a G to C substitution at nucleotide position 270. The lysine at codon 90 is replaced by asparagine, an amino acid with similar properties. This amino acid position is conserved. In addition, this alteration is predicted to be tolerated by in silico analysis. Since supporting evidence is limited at this time, the clinical significance of this alteration remains unclear.

NM_000903.3(NQO1):c.270G>C (p.Lys90Asn)

Gene: NQO1 (NAD(P)H quinone dehydrogenase 1; minus strand). Cytogenetic location: 16q22.1.
Variant type: single nucleotide variant.
Coding change: c.270G>C on transcript NM_000903.3 (MANE Select); coding-DNA position 270, G replaced by C.
Protein change: p.Lys90Asn; replaces lysine 90 with asparagine.
Molecular consequence: missense variant.
Genome position (GRCh38, 1-based): chr16:69,718,156, C>G on the plus strand (G>C on the coding strand, the complement: NQO1 is on the minus strand). VCF-style: chr16-69718156-C-G. GRCh37 (hg19) VCF-style: chr16-69752059-C-G.
Other names: c.270G>C, p.Lys90Asn (NM_001025433.2, NM_001025434.2, NM_001286137.2); short protein forms K90N.
Identifiers: ClinVar variation 1795062 (VCV001795062.2), dbSNP rs1409858779, ClinGen allele CA396489873.